The following is an entry in ClinVar:

ClinVar aggregate classification (germline): Uncertain significance. Review status: criteria provided, multiple submitters, no conflicts (2 of 4 stars). 2 submissions from 2 submitters: Uncertain significance (2). Last evaluated 2024-03-20.

Conditions:
Neuroblastoma, susceptibility to, 3. Also called: ALK-Related Neuroblastic Tumor Susceptibility. Identifiers: Orphanet 635, MedGen C2751681, MONDO:0013083, OMIM 613014.
Hereditary cancer-predisposing syndrome. Also called: Neoplastic Syndromes, Hereditary; Hereditary Cancer Syndrome; Tumor predisposition; Hereditary neoplastic syndrome. Identifiers: Orphanet 140162, MedGen C0027672, MeSH D009386, MONDO:0015356.

Allele frequency attached by ClinVar (database versions not stated): gnomAD exomes below 0.00001.
gnomAD v4.1: 2 of 1,613,768 alleles (0.00012%); highest among the groups gnomAD compares: Middle Eastern, 0.034%; no homozygotes.

Submissions (2):

Labcorp Genetics (formerly Invitae), Labcorp
Classification: Uncertain significance for Neuroblastoma, susceptibility to, 3. Last evaluated: 2024-03-20. Review status: criteria provided, single submitter. Criteria: Invitae Variant Classification Sherloc (09022015). Collection method: clinical testing. Allele origin: germline.
Comment: This sequence change replaces methionine, which is neutral and non-polar, with threonine, which is neutral and polar, at codon 315 of the ALK protein (p.Met315Thr). This variant is not present in population databases (gnomAD no frequency). This variant has not been reported in the literature in individuals affected with ALK-related conditions. ClinVar contains an entry for this variant (Variation ID: 1039025). Algorithms developed to predict the effect of missense changes on protein structure and function output the following: SIFT: "Not Available"; PolyPhen-2: "Benign"; Align-GVGD: "Not Available". The threonine amino acid residue is found in multiple mammalian species, which suggests that this missense change does not adversely affect protein function. In summary, the available evidence is currently insufficient to determine the role of this variant in disease. Therefore, it has been classified as a Variant of Uncertain Significance.

Ambry Genetics
Classification: Uncertain significance for Hereditary cancer-predisposing syndrome. Last evaluated: 2023-11-16. Review status: criteria provided, single submitter. Criteria: Ambry Variant Classification Scheme 2023. Collection method: clinical testing. Allele origin: germline.
Comment: The p.M315T variant (also known as c.944T>C), located in coding exon 3 of the ALK gene, results from a T to C substitution at nucleotide position 944. The methionine at codon 315 is replaced by threonine, an amino acid with similar properties. This amino acid position is conserved. In addition, this alteration is predicted to be tolerated by in silico analysis. Since supporting evidence is limited at this time, the clinical significance of this alteration remains unclear.

NM_004304.5(ALK):c.944T>C (p.Met315Thr)

Gene: ALK (ALK receptor tyrosine kinase; minus strand). Cytogenetic location: 2p23.2.
Variant type: single nucleotide variant.
Coding change: c.944T>C on transcript NM_004304.5 (MANE Select); coding-DNA position 944, T replaced by C.
Protein change: p.Met315Thr; replaces methionine 315 with threonine.
Molecular consequence: missense variant.
Genome position (GRCh38, 1-based): chr2:29,694,858, A>G on the plus strand (T>C on the coding strand, the complement: ALK is on the minus strand). VCF-style: chr2-29694858-A-G. GRCh37 (hg19) VCF-style: chr2-29917724-A-G.
Other names: c.944T>C (NM_004304.4); short protein forms M315T.
Identifiers: ClinVar variation 1039025 (VCV001039025.9), dbSNP rs1678504929, ClinGen allele CA346586825.